The following is an entry in ClinVar:

ClinVar aggregate classification (germline): Uncertain significance. Review status: criteria provided, multiple submitters, no conflicts (2 of 4 stars). 4 submissions from 4 submitters: Uncertain significance (4). Last evaluated 2026-02-18.

Conditions:
Myofibrillar myopathy 4. Also called: Zaspopathy (type). Identifiers: Orphanet 98912, MedGen C4721886, MONDO:0012277, OMIM 609452.
Cardiovascular phenotype. Identifiers: MedGen CN230736.

gnomAD v4.1: 7 of 1,611,726 alleles (0.00043%); highest among the groups gnomAD compares: Non-Finnish European, 0.00059%; no homozygotes.

Submissions (4):

Women's Health and Genetics/Laboratory Corporation of America, LabCorp
Classification: Uncertain significance. Last evaluated: 2026-02-18. Review status: criteria provided, single submitter. Criteria: LabCorp Variant Classification Summary - May 2015. Collection method: clinical testing. Allele origin: germline.
Comment: Variant summary: LDB3 c.91C>G (p.Arg31Gly) results in a non-conservative amino acid change in the encoded protein sequence. Algorithms developed to predict the effect of missense changes on protein structure and function are either unavailable or do not agree on the potential impact of this missense change. Consensus agreement among computation tools predict no significant impact on normal splicing. However, these predictions have yet to be confirmed by functional studies. The variant allele was found at a frequency of 4e-06 in 249228 control chromosomes. The available data on variant occurrences in the general population are insufficient to allow any conclusion about variant significance. To our knowledge, no occurrence of c.91C>G in individuals affected with LDB3-related conditions and no experimental evidence demonstrating its impact on protein function have been reported. ClinVar contains an entry for this variant (Variation ID: 1043754). Based on the evidence outlined above, the variant was classified as uncertain significance.

Labcorp Genetics (formerly Invitae), Labcorp
Classification: Uncertain significance for Myofibrillar myopathy 4. Last evaluated: 2025-09-27. Review status: criteria provided, single submitter. Criteria: Invitae Variant Classification Sherloc (09022015). Collection method: clinical testing. Allele origin: germline.
Comment: This sequence change replaces arginine, which is basic and polar, with glycine, which is neutral and non-polar, at codon 31 of the LDB3 protein (p.Arg31Gly). This variant is present in population databases (no rsID available, gnomAD 0.0009%). This variant has not been reported in the literature in individuals affected with LDB3-related conditions. ClinVar contains an entry for this variant (Variation ID: 1043754). An algorithm developed to predict the effect of missense changes on protein structure and function (PolyPhen-2) suggests that this variant is likely to be disruptive. In summary, the available evidence is currently insufficient to determine the role of this variant in disease. Therefore, it has been classified as a Variant of Uncertain Significance.

Ambry Genetics
Classification: Uncertain significance for Cardiovascular phenotype. Last evaluated: 2024-04-16. Review status: criteria provided, single submitter. Criteria: Ambry Variant Classification Scheme 2023. Collection method: clinical testing. Allele origin: germline.
Comment: The p.R31G variant (also known as c.91C>G), located in coding exon 1 of the LDB3 gene, results from a C to G substitution at nucleotide position 91. The arginine at codon 31 is replaced by glycine, an amino acid with dissimilar properties. This amino acid position is conserved. In addition, the in silico prediction for this alteration is inconclusive. Based on the available evidence, the clinical significance of this variant remains unclear.

Blueprint Genetics
Classification: Uncertain significance. Last evaluated: 2024-03-19. Review status: criteria provided, single submitter. Criteria: ACMG Guidelines, 2015. Collection method: clinical testing. Allele origin: germline.

NM_007078.3(LDB3):c.91C>G (p.Arg31Gly)

Gene: LDB3 (LIM domain binding 3; plus strand). Cytogenetic location: 10q23.2.
Variant type: single nucleotide variant.
Coding change: c.91C>G on transcript NM_007078.3 (MANE Select); coding-DNA position 91, C replaced by G.
Protein change: p.Arg31Gly; replaces arginine 31 with glycine.
Molecular consequence: missense variant.
Genome position (GRCh38, 1-based): chr10:86,668,782, C>G. VCF-style: chr10-86668782-C-G. GRCh37 (hg19) VCF-style: chr10-88428539-C-G.
Other names: c.91C>G, p.Arg31Gly (NM_001080114.2, NM_001080115.2, NM_001080116.1 and 8 more transcripts); c.91C>G (NM_007078.2); short protein forms R31G.
Identifiers: ClinVar variation 1043754 (VCV001043754.12), dbSNP rs367792378, ClinGen allele CA377448845.
Genomic context (GRCh38, chr10:86,668,782, plus strand): 5'-GGGCCCTGGGGCTTCCGTCTGCAGGGGGGCAAGGACTTCAACATGCCCCTCACTATCTCC[C>G]GGGTGAGTGCACCCTGCCACAGCCTGGCACCCGATGGGGCAGGCACGCTTGGAGGAGGGC-3'
Protein context (NP_009009.1, residues 21-41): KDFNMPLTIS[Arg31Gly]ITPGSKAAQS